The following is an entry in ClinVar:

ClinVar aggregate classification (germline): Likely benign. Review status: criteria provided, multiple submitters, no conflicts (2 of 4 stars). 4 submissions from 4 submitters: Likely benign (4). Last evaluated 2026-08-17.

Conditions:
MYO5B-related disorder. Also called: MYO5B-related condition.

Allele frequency attached by ClinVar (database versions not stated): TOPMed 0.00001; gnomAD exomes 0.00002; ExAC 0.00003; ESP Exome Variant Server 0.00008.

Submissions (4):

PreventionGenetics, part of Exact Sciences
Classification: Likely benign for MYO5B-related condition. Last evaluated: 2026-08-17. Review status: criteria provided, single submitter. Criteria: ACMG Guidelines, 2015. Collection method: clinical testing. Allele origin: germline.
Comment: This variant is classified as likely benign based on ACMG/AMP sequence variant interpretation guidelines (Richards et al. 2015 PMID: 25741868, with internal and published modifications).

CeGaT Center for Human Genetics Tuebingen
Classification: Likely benign. Last evaluated: 2026-04-01. Review status: criteria provided, single submitter. Criteria: CeGaT Center For Human Genetics Tuebingen Variant Classification Criteria Version 2. Collection method: clinical testing. Allele origin: germline. Affected: yes. Observed: 1 variant allele.
Comment: MYO5B: BP4, BP7

Labcorp Genetics (formerly Invitae), Labcorp
Classification: Likely benign. Last evaluated: 2025-02-03. Review status: criteria provided, single submitter. Criteria: Invitae Variant Classification Sherloc (09022015). Collection method: clinical testing. Allele origin: germline.

Blueprint Genetics
Classification: Likely benign. Last evaluated: 2024-08-23. Review status: criteria provided, single submitter. Criteria: ACMG Guidelines, 2015. Collection method: clinical testing. Allele origin: germline.

NM_001080467.3(MYO5B):c.3075T>C (p.Ala1025=)

Gene: MYO5B (myosin VB; minus strand). Cytogenetic location: 18q21.1.
Variant type: single nucleotide variant.
Coding change: c.3075T>C on transcript NM_001080467.3 (MANE Select); coding-DNA position 3075, T replaced by C.
Protein change: p.Ala1025=; no amino-acid change (alanine 1025 retained).
Molecular consequence: synonymous variant.
Genome position (GRCh38, 1-based): chr18:49,880,426, A>G on the plus strand (T>C on the coding strand, the complement: MYO5B is on the minus strand). VCF-style: chr18-49880426-A-G. GRCh37 (hg19) VCF-style: chr18-47406796-A-G.
Other names: c.3075T>C (NM_001080467.2).
Identifiers: ClinVar variation 1627873 (VCV001627873.12), dbSNP rs370015773, ClinGen allele CA8960851.